The following is an entry in ClinVar:

ClinVar aggregate classification (germline): Uncertain significance. Review status: criteria provided, multiple submitters, no conflicts (2 of 4 stars). 2 submissions from 2 submitters: Uncertain significance (2). Last evaluated 2022-12-15.

Conditions:
Werner syndrome (WRN). Identifiers: Orphanet 902, MedGen C0043119, MONDO:0010196, OMIM 277700.
Inborn genetic diseases. Identifiers: MedGen C0950123, MeSH D030342.

Allele frequency attached by ClinVar (database versions not stated): gnomAD exomes below 0.00001; TOPMed below 0.00001.
gnomAD v4.1: 2 of 1,613,218 alleles (0.00012%); highest among the groups gnomAD compares: Non-Finnish European, 0.00017%; no homozygotes.

Submissions (2):

Ambry Genetics
Classification: Uncertain significance for Inborn genetic diseases. Last evaluated: 2022-12-15. Review status: criteria provided, single submitter. Criteria: Ambry Variant Classification Scheme 2023. Collection method: clinical testing. Allele origin: germline.

Labcorp Genetics (formerly Invitae), Labcorp
Classification: Uncertain significance for Werner syndrome. Last evaluated: 2022-10-07. Review status: criteria provided, single submitter. Criteria: Invitae Variant Classification Sherloc (09022015). Collection method: clinical testing. Allele origin: germline.
Comment: This sequence change replaces proline, which is neutral and non-polar, with serine, which is neutral and polar, at codon 1376 of the WRN protein (p.Pro1376Ser). This variant is not present in population databases (gnomAD no frequency). This variant has not been reported in the literature in individuals affected with WRN-related conditions. ClinVar contains an entry for this variant (Variation ID: 528119). Algorithms developed to predict the effect of missense changes on protein structure and function output the following: SIFT: "Not Available"; PolyPhen-2: "Benign"; Align-GVGD: "Not Available". The serine amino acid residue is found in multiple mammalian species, which suggests that this missense change does not adversely affect protein function. In summary, the available evidence is currently insufficient to determine the role of this variant in disease. Therefore, it has been classified as a Variant of Uncertain Significance.

NM_000553.6(WRN):c.4126C>T (p.Pro1376Ser)

Gene: WRN (WRN RecQ like helicase; plus strand). Cytogenetic location: 8p12.
Variant type: single nucleotide variant.
Coding change: c.4126C>T on transcript NM_000553.6 (MANE Select); coding-DNA position 4126, C replaced by T.
Protein change: p.Pro1376Ser; replaces proline 1376 with serine.
Molecular consequence: missense variant.
Genome position (GRCh38, 1-based): chr8:31,167,165, C>T. VCF-style: chr8-31167165-C-T. GRCh37 (hg19) VCF-style: chr8-31024681-C-T.
Other names: short protein forms P1376S.
Identifiers: ClinVar variation 528119 (VCV000528119.5), dbSNP rs1554538654, ClinGen allele CA370909738.